The following is an entry in ClinVar:

ClinVar aggregate classification (germline): Benign (1 of 4 stars; one submission).

Conditions:
Familial cancer of breast. Also called: hereditary breast carcinoma; Hereditary breast cancer; BREAST CANCER, FAMILIAL. Identifiers: Orphanet 227535, MedGen C0346153, MONDO:0016419, OMIM 114480. Disease mechanism: loss of function.

gnomAD v4.1: 1 of 1,614,070 alleles (0.000062%); highest among the groups gnomAD compares: South Asian, 0.0011%; no homozygotes.

Submission:

Myriad Genetics, Inc.
Classification: Benign for Familial cancer of breast. Last evaluated: 2024-08-29. Review status: criteria provided, single submitter. Criteria: Myriad Autosomal Dominant, Autosomal Recessive and X-Linked Classification Criteria (2023). Collection method: clinical testing. Allele origin: unknown.
Comment: This variant is considered benign. This variant is a silent/synonymous amino acid change and it is not expected to impact splicing.

NM_032043.3(BRIP1):c.1704T>C (p.Asn568=)

Gene: BRIP1 (BRCA1 interacting DNA helicase 1; minus strand). Cytogenetic location: 17q23.2.
Variant type: single nucleotide variant.
Coding change: c.1704T>C on transcript NM_032043.3 (MANE Select); coding-DNA position 1704, T replaced by C.
Protein change: p.Asn568=; no amino-acid change (asparagine 568 retained).
Molecular consequence: synonymous variant.
Genome position (GRCh38, 1-based): chr17:61,780,930, A>G on the plus strand (T>C on the coding strand, the complement: BRIP1 is on the minus strand). VCF-style: chr17-61780930-A-G. GRCh37 (hg19) VCF-style: chr17-59858291-A-G.
Identifiers: ClinVar variation 3378451 (VCV003378451.1).